The following is an entry in ClinVar:

ClinVar aggregate classification (germline): Uncertain significance (1 of 4 stars; one submission).

Allele frequency attached by ClinVar (database versions not stated): ExAC 0.00001; TOPMed 0.00001.
gnomAD v4.1: 6 of 1,590,642 alleles (0.00038%); highest among the groups gnomAD compares: Admixed American, 0.01%; no homozygotes.

Submission:

Labcorp Genetics (formerly Invitae), Labcorp
Classification: Uncertain significance. Last evaluated: 2025-06-10. Review status: criteria provided, single submitter. Criteria: Invitae Variant Classification Sherloc (09022015). Collection method: clinical testing. Allele origin: germline.
Comment: This sequence change replaces histidine, which is basic and polar, with arginine, which is basic and polar, at codon 355 of the GRIN2D protein (p.His355Arg). This variant is present in population databases (rs765547867, gnomAD 0.009%). This variant has not been reported in the literature in individuals affected with GRIN2D-related conditions. ClinVar contains an entry for this variant (Variation ID: 2990174). Invitae Evidence Modeling of protein sequence and biophysical properties (such as structural, functional, and spatial information, amino acid conservation, physicochemical variation, residue mobility, and thermodynamic stability) indicates that this missense variant is not expected to disrupt GRIN2D protein function with a negative predictive value of 80%. In summary, the available evidence is currently insufficient to determine the role of this variant in disease. Therefore, it has been classified as a Variant of Uncertain Significance.

NM_000836.4(GRIN2D):c.1064A>G (p.His355Arg)

Gene: GRIN2D (glutamate ionotropic receptor NMDA type subunit 2D; plus strand). Cytogenetic location: 19q13.33.
Variant type: single nucleotide variant.
Coding change: c.1064A>G on transcript NM_000836.4 (MANE Select); coding-DNA position 1064, A replaced by G.
Protein change: p.His355Arg; replaces histidine 355 with arginine.
Molecular consequence: missense variant.
Genome position (GRCh38, 1-based): chr19:48,405,332, A>G. VCF-style: chr19-48405332-A-G. GRCh37 (hg19) VCF-style: chr19-48908589-A-G.
Other names: short protein forms H355R.
Identifiers: ClinVar variation 2990174 (VCV002990174.3), dbSNP rs765547867, ClinGen allele CA9550446.